The following is an entry in ClinVar:

ClinVar aggregate classification (germline): Uncertain significance (1 of 4 stars; one submission).

Conditions:
COG5-congenital disorder of glycosylation. Also called: CONGENITAL DISORDER OF GLYCOSYLATION, TYPE IIi; COG5-CDG; CDG IIi. Identifiers: Orphanet 263487, MedGen C3150876, MONDO:0013325, OMIM 613612.

Allele frequency attached by ClinVar (database versions not stated): gnomAD 0.00001; TOPMed 0.00001.
gnomAD v4.1: 2 of 1,611,664 alleles (0.00012%); highest among the groups gnomAD compares: African/African-American, 0.0027%; no homozygotes.

Submission:

Labcorp Genetics (formerly Invitae), Labcorp
Classification: Uncertain significance for COG5-congenital disorder of glycosylation. Last evaluated: 2022-05-24. Review status: criteria provided, single submitter. Criteria: Invitae Variant Classification Sherloc (09022015). Collection method: clinical testing. Allele origin: germline.
Comment: In summary, the available evidence is currently insufficient to determine the role of this variant in disease. Therefore, it has been classified as a Variant of Uncertain Significance. Algorithms developed to predict the effect of missense changes on protein structure and function are either unavailable or do not agree on the potential impact of this missense change (SIFT: "Tolerated"; PolyPhen-2: "Possibly Damaging"; Align-GVGD: "Class C0"). This variant has not been reported in the literature in individuals affected with COG5-related conditions. This variant is present in population databases (no rsID available, gnomAD 0.01%). This sequence change replaces alanine, which is neutral and non-polar, with threonine, which is neutral and polar, at codon 235 of the COG5 protein (p.Ala235Thr).

NM_006348.5(COG5):c.610G>A (p.Ala204Thr)

Gene: COG5 (component of oligomeric golgi complex 5; minus strand). Cytogenetic location: 7q22.3.
Variant type: single nucleotide variant.
Coding change: c.610G>A on transcript NM_006348.5 (MANE Select); coding-DNA position 610, G replaced by A.
Protein change: p.Ala204Thr; replaces alanine 204 with threonine.
Molecular consequence: missense variant. On other transcripts: intron variant (2).
Genome position (GRCh38, 1-based): chr7:107,412,561, C>T on the plus strand (G>A on the coding strand, the complement: COG5 is on the minus strand). VCF-style: chr7-107412561-C-T. GRCh37 (hg19) VCF-style: chr7-107053006-C-T.
Other names: c.610G>A, p.Ala204Thr (NM_001161520.2, NM_001379511.1, NM_001379512.1 and 3 more transcripts); c.235-50451G>A (NM_001379516.1); c.539-114215G>A (NM_001379515.1); short protein forms A204T.
Identifiers: ClinVar variation 1995496 (VCV001995496.4), dbSNP rs1226680404, ClinGen allele CA368938902.